The following is an entry in ClinVar:

NM_006015.6(ARID1A):c.3730C>G (p.Pro1244Ala)

Genes: ARID1A (AT-rich interaction domain 1A; plus strand), LOC126805670 (CDK7 strongly-dependent group 2 enhancer GRCh37_chr1:27098665-27099864; plus strand). Cytogenetic location: 1p36.11.
Variant type: single nucleotide variant.
Coding change: c.3730C>G on transcript NM_006015.6 (MANE Select); coding-DNA position 3730, C replaced by G.
Protein change: p.Pro1244Ala; replaces proline 1244 with alanine.
Molecular consequence: missense variant.
Genome position (GRCh38, 1-based): chr1:26,773,360, C>G. VCF-style: chr1-26773360-C-G. GRCh37 (hg19) VCF-style: chr1-27099851-C-G.
Other names: c.3730C>G, p.Pro1244Ala (NM_139135.4); short protein forms P1244A.
Identifiers: ClinVar variation 3606850 (VCV003606850.2).

ClinVar aggregate classification (germline): Uncertain significance (1 of 4 stars; one submission).

Submission:

Labcorp Genetics (formerly Invitae), Labcorp
Classification: Uncertain significance. Last evaluated: 2024-02-15. Review status: criteria provided, single submitter. Criteria: Invitae Variant Classification Sherloc (09022015). Collection method: clinical testing. Allele origin: germline.
Comment: This sequence change replaces proline, which is neutral and non-polar, with alanine, which is neutral and non-polar, at codon 1244 of the ARID1A protein (p.Pro1244Ala). This variant is not present in population databases (gnomAD no frequency). This variant has not been reported in the literature in individuals affected with ARID1A-related conditions. Advanced modeling of protein sequence and biophysical properties (such as structural, functional, and spatial information, amino acid conservation, physicochemical variation, residue mobility, and thermodynamic stability) performed at Invitae indicates that this missense variant is not expected to disrupt ARID1A protein function with a negative predictive value of 80%. In summary, the available evidence is currently insufficient to determine the role of this variant in disease. Therefore, it has been classified as a Variant of Uncertain Significance.